The following is an entry in ClinVar:

ClinVar aggregate classification (germline): Uncertain significance (1 of 4 stars; one submission).

gnomAD v4.1: 11 of 1,614,084 alleles (0.00068%); highest among the groups gnomAD compares: African/African-American, 0.015%; no homozygotes.

Submission:

Women's Health and Genetics/Laboratory Corporation of America, LabCorp
Classification: Uncertain significance. Last evaluated: 2026-06-01. Review status: criteria provided, single submitter. Criteria: LabCorp Variant Classification Summary - May 2015. Collection method: clinical testing. Allele origin: germline.
Comment: Variant summary: ARHGEF10 c.2891C>T (p.Pro964Leu) results in a non-conservative amino acid change in the encoded protein sequence. Algorithms developed to predict the effect of missense changes on protein structure and function all suggest that this variant is likely to be disruptive. The variant allele was found at a frequency of 1.2e-05 in 251386 control chromosomes. The available data on variant occurrences in the general population are insufficient to allow any conclusion about variant significance. To our knowledge, no occurrence of c.2891C>T in individuals affected with ARHGEF10-related conditions and no experimental evidence demonstrating its impact on protein function have been reported. No submitters have cited clinical-significance assessments for this variant to ClinVar. Based on the evidence outlined above, the variant was classified as uncertain significance.

NM_014629.4(ARHGEF10):c.2891C>T (p.Pro964Leu)

Gene: ARHGEF10 (Rho guanine nucleotide exchange factor 10; plus strand). Cytogenetic location: 8p23.3.
Variant type: single nucleotide variant.
Coding change: c.2891C>T on transcript NM_014629.4 (MANE Select); coding-DNA position 2891, C replaced by T.
Protein change: p.Pro964Leu; replaces proline 964 with leucine.
Molecular consequence: missense variant.
Genome position (GRCh38, 1-based): chr8:1,928,620, C>T. VCF-style: chr8-1928620-C-T. GRCh37 (hg19) VCF-style: chr8-1876786-C-T.
Other names: c.2777C>T, p.Pro926Leu (NM_001308152.2); c.2891C>T, p.Pro964Leu (NM_001308153.3); short protein forms P926L, P964L, P988L.
Identifiers: ClinVar variation 3907455 (VCV003907455.2).